The following is an entry in ClinVar:

ClinVar aggregate classification (germline): Uncertain significance. Review status: criteria provided, multiple submitters, no conflicts (2 of 4 stars). 2 submissions from 2 submitters: Uncertain significance (2). Last evaluated 2023-09-03.

Conditions:
Familial hypocalciuric hypercalcemia (FHH). Also called: Familial benign hypercalcemia. Identifiers: Orphanet 405, MedGen C1809471, MONDO:0018458.
Autosomal dominant hypocalcemia 1 (HYPOC1). Also called: HYPOCALCEMIA, FAMILIAL. Identifiers: MedGen C3715128, MONDO:0011013, OMIM 601198.
Nephrolithiasis/nephrocalcinosis. Identifiers: MedGen CN580796.

Submissions (2):

Labcorp Genetics (formerly Invitae), Labcorp
Classification: Uncertain significance for Familial hypocalciuric hypercalcemia; Autosomal dominant hypocalcemia 1. Last evaluated: 2023-09-03. Review status: criteria provided, single submitter. Criteria: Invitae Variant Classification Sherloc (09022015). Collection method: clinical testing. Allele origin: germline.
Comment: In summary, the available evidence is currently insufficient to determine the role of this variant in disease. Therefore, it has been classified as a Variant of Uncertain Significance. An algorithm developed to predict the effect of missense changes on protein structure and function (PolyPhen-2) suggests that this variant is likely to be disruptive. ClinVar contains an entry for this variant (Variation ID: 1793755). This variant has not been reported in the literature in individuals affected with CASR-related conditions. This variant is not present in population databases (gnomAD no frequency). This sequence change replaces glutamic acid, which is acidic and polar, with lysine, which is basic and polar, at codon 870 of the CASR protein (p.Glu870Lys).

Ambry Genetics
Classification: Uncertain significance for Nephrolithiasis/nephrocalcinosis. Last evaluated: 2022-07-01. Review status: criteria provided, single submitter. Criteria: Ambry Variant Classification Scheme 2023. Collection method: clinical testing. Allele origin: germline.
Comment: The p.E870K variant (also known as c.2608G>A), located in coding exon 6 of the CASR gene, results from a G to A substitution at nucleotide position 2608. The glutamic acid at codon 870 is replaced by lysine, an amino acid with similar properties. This amino acid position is conserved. In addition, this alteration is predicted to be deleterious by in silico analysis. Since supporting evidence is limited at this time, the clinical significance of this alteration remains unclear.

NM_000388.4(CASR):c.2608G>A (p.Glu870Lys)

Gene: CASR (calcium sensing receptor; plus strand). Cytogenetic location: 3q21.1.
Variant type: single nucleotide variant.
Coding change: c.2608G>A on transcript NM_000388.4 (MANE Select); coding-DNA position 2608, G replaced by A.
Protein change: p.Glu870Lys; replaces glutamic acid 870 with lysine.
Molecular consequence: missense variant.
Genome position (GRCh38, 1-based): chr3:122,284,562, G>A. VCF-style: chr3-122284562-G-A. GRCh37 (hg19) VCF-style: chr3-122003409-G-A.
Other names: c.2638G>A, p.Glu880Lys (NM_001178065.2); short protein forms E880K, E870K.
Identifiers: ClinVar variation 1793755 (VCV001793755.5), dbSNP rs2473280974, ClinGen allele CA354160395.